The following is an entry in ClinVar:

ClinVar aggregate classification (germline): Conflicting classifications of pathogenicity. Review status: criteria provided, conflicting classifications (1 of 4 stars). 3 submissions from 3 submitters: Uncertain significance (2); Likely benign (1). Last evaluated 2026-01-27.

Conditions:
Hereditary nonpolyposis colorectal neoplasms. Identifiers: MedGen C0009405, MeSH D003123.
Hereditary cancer-predisposing syndrome. Also called: Tumor predisposition; Hereditary neoplastic syndrome; Neoplastic Syndromes, Hereditary; Hereditary Cancer Syndrome. Identifiers: Orphanet 140162, MedGen C0027672, MeSH D009386, MONDO:0015356.

Submissions (3):

Labcorp Genetics (formerly Invitae), Labcorp
Classification: Uncertain significance for Hereditary nonpolyposis colorectal neoplasms. Last evaluated: 2026-01-27. Review status: criteria provided, single submitter. Criteria: Invitae Variant Classification Sherloc (09022015). Collection method: clinical testing. Allele origin: germline.
Comment: This sequence change replaces lysine, which is basic and polar, with arginine, which is basic and polar, at codon 492 of the PMS2 protein (p.Lys492Arg). This variant is not present in population databases (gnomAD no frequency). This variant has not been reported in the literature in individuals affected with PMS2-related conditions. ClinVar contains an entry for this variant (Variation ID: 819304). Invitae Evidence Modeling incorporating data from in vitro experimental studies (internal data) indicates that this missense variant is not expected to disrupt PMS2 function with a negative predictive value of 95%. In summary, the available evidence is currently insufficient to determine the role of this variant in disease. Therefore, it has been classified as a Variant of Uncertain Significance.

Color Diagnostics, LLC DBA Color Health
Classification: Uncertain significance for Hereditary cancer-predisposing syndrome. Last evaluated: 2025-03-24. Review status: criteria provided, single submitter. Criteria: ACMG Guidelines, 2015. Collection method: clinical testing. Allele origin: germline.
Comment: This missense variant replaces lysine with arginine at codon 492 of the PMS2 protein. Computational prediction suggests that this variant may not impact protein structure and function (internally defined REVEL score threshold <= 0.5, PMID: 27666373). To our knowledge, functional studies have not been reported for this variant. This variant has not been reported in individuals affected with PMS2-related disorders in the literature. This variant has not been identified in the general population by the Genome Aggregation Database (gnomAD). The available evidence is insufficient to determine the role of this variant in disease conclusively. Therefore, this variant is classified as a Variant of Uncertain Significance.

Ambry Genetics
Classification: Likely benign for Hereditary cancer-predisposing syndrome. Last evaluated: 2023-11-22. Review status: criteria provided, single submitter. Criteria: Ambry Variant Classification Scheme 2023. Collection method: clinical testing. Allele origin: germline.

NM_000535.7(PMS2):c.1475A>G (p.Lys492Arg)

Gene: PMS2 (PMS1 homolog 2, mismatch repair system component; minus strand). Cytogenetic location: 7p22.1.
Variant type: single nucleotide variant.
Coding change: c.1475A>G on transcript NM_000535.7 (MANE Select); coding-DNA position 1475, A replaced by G.
Protein change: p.Lys492Arg; replaces lysine 492 with arginine.
Molecular consequence: missense variant. On other transcripts: non-coding transcript variant (1).
Genome position (GRCh38, 1-based): chr7:5,987,290, T>C on the plus strand (A>G on the coding strand, the complement: PMS2 is on the minus strand). VCF-style: chr7-5987290-T-C. GRCh37 (hg19) VCF-style: chr7-6026921-T-C.
Other names: c.1070A>G, p.Lys357Arg (NM_001322003.2, NM_001322004.2, NM_001322005.2 and 1 more transcripts); c.1319A>G, p.Lys440Arg (NM_001322006.2); c.1157A>G, p.Lys386Arg (NM_001322007.2, NM_001322008.2); c.914A>G, p.Lys305Arg (NM_001322010.2); c.542A>G, p.Lys181Arg (NM_001322011.2, NM_001322012.2); c.902A>G, p.Lys301Arg (NM_001322013.2); c.1475A>G, p.Lys492Arg (NM_001322014.2); c.1166A>G, p.Lys389Arg (NM_001322015.2); short protein forms K389R, K440R, K301R, K305R, K357R, K181R, K386R, K492R.
Identifiers: ClinVar variation 819304 (VCV000819304.14), dbSNP rs1583319590, ClinGen allele CA366741851.